The following is an entry in ClinVar:

NM_001365951.3(KIF1B):c.3919C>T (p.His1307Tyr)

Gene: KIF1B (kinesin family member 1B; plus strand). Cytogenetic location: 1p36.22.
Variant type: single nucleotide variant.
Coding change: c.3919C>T on transcript NM_001365951.3 (MANE Select); coding-DNA position 3919, C replaced by T.
Protein change: p.His1307Tyr; replaces histidine 1307 with tyrosine.
Molecular consequence: missense variant.
Genome position (GRCh38, 1-based): chr1:10,348,703, C>T. VCF-style: chr1-10348703-C-T. GRCh37 (hg19) VCF-style: chr1-10408761-C-T.
Other names: c.3919C>T, p.His1307Tyr (NM_001365952.1); c.3781C>T, p.His1261Tyr (NM_015074.3); short protein forms H1261Y, H1307Y.
Identifiers: ClinVar variation 3288464 (VCV003288464.1).

ClinVar aggregate classification (germline): Uncertain significance (1 of 4 stars; one submission).

Submission:

Ambry Genetics
Classification: Uncertain significance. Last evaluated: 2024-05-24. Review status: criteria provided, single submitter. Criteria: Ambry Variant Classification Scheme 2023. Collection method: clinical testing. Allele origin: germline.
Comment: The p.H1261Y variant (also known as c.3781C>T), located in coding exon 34 of the KIF1B gene, results from a C to T substitution at nucleotide position 3781. The histidine at codon 1261 is replaced by tyrosine, an amino acid with similar properties. This amino acid position is conserved. In addition, the in silico prediction for this alteration is inconclusive. Based on the available evidence, the clinical significance of this variant remains unclear.